The following is an entry in ClinVar:

ClinVar aggregate classification (germline): Uncertain significance (1 of 4 stars; one submission).

Allele frequency attached by ClinVar (database versions not stated): TOPMed 0.00001.
gnomAD v4.1: 5 of 1,596,726 alleles (0.00031%); highest among the groups gnomAD compares: Non-Finnish European, 0.00043%; no homozygotes.

Submission:

Ambry Genetics
Classification: Uncertain significance. Last evaluated: 2025-12-22. Review status: criteria provided, single submitter. Criteria: Ambry Variant Classification Scheme 2023. Collection method: clinical testing. Allele origin: germline.
Comment: The p.D222Y variant (also known as c.664G>T), located in coding exon 3 of the GALNT12 gene, results from a G to T substitution at nucleotide position 664. The aspartic acid at codon 222 is replaced by tyrosine, an amino acid with highly dissimilar properties. This amino acid position is not well conserved in available vertebrate species. In addition, the in silico prediction for this alteration is inconclusive. Since supporting evidence is limited at this time, the clinical significance of this alteration remains unclear.

NM_024642.5(GALNT12):c.664G>T (p.Asp222Tyr)

Gene: GALNT12 (polypeptide N-acetylgalactosaminyltransferase 12; plus strand). Cytogenetic location: 9q22.33.
Variant type: single nucleotide variant.
Coding change: c.664G>T on transcript NM_024642.5 (MANE Select); coding-DNA position 664, G replaced by T.
Protein change: p.Asp222Tyr; replaces aspartic acid 222 with tyrosine.
Molecular consequence: missense variant.
Genome position (GRCh38, 1-based): chr9:98,826,874, G>T. VCF-style: chr9-98826874-G-T. GRCh37 (hg19) VCF-style: chr9-101589156-G-T.
Other names: short protein forms D222Y.
Identifiers: ClinVar variation 1754688 (VCV001754688.3), dbSNP rs947666286, ClinGen allele CA196819562.